The following is an entry in ClinVar:

ClinVar aggregate classification (germline): Uncertain significance (1 of 4 stars; one submission).

Allele frequency attached by ClinVar (database versions not stated): ExAC 0.00004; gnomAD 0.00008; TOPMed 0.00009; 1000 Genomes Project 0.00020; 1000 Genomes Project 30x 0.00031.
gnomAD v4.1: 110 of 1,613,342 alleles (0.0068%); highest among the groups gnomAD compares: Admixed American, 0.013%; no homozygotes.

Submission:

Labcorp Genetics (formerly Invitae), Labcorp
Classification: Uncertain significance. Last evaluated: 2022-07-25. Review status: criteria provided, single submitter. Criteria: Invitae Variant Classification Sherloc (09022015). Collection method: clinical testing. Allele origin: germline.
Comment: This sequence change replaces arginine, which is basic and polar, with histidine, which is basic and polar, at codon 462 of the CAPN1 protein (p.Arg462His). This variant is present in population databases (rs201349372, gnomAD 0.02%). This variant has not been reported in the literature in individuals affected with CAPN1-related conditions. Algorithms developed to predict the effect of missense changes on protein structure and function are either unavailable or do not agree on the potential impact of this missense change (SIFT: "Tolerated"; PolyPhen-2: "Possibly Damaging"; Align-GVGD: "Class C0"). In summary, the available evidence is currently insufficient to determine the role of this variant in disease. Therefore, it has been classified as a Variant of Uncertain Significance.

NM_005186.4(CAPN1):c.1385G>A (p.Arg462His)

Gene: CAPN1 (calpain 1; plus strand). Cytogenetic location: 11q13.1.
Variant type: single nucleotide variant.
Coding change: c.1385G>A on transcript NM_005186.4 (MANE Select); coding-DNA position 1385, G replaced by A.
Protein change: p.Arg462His; replaces arginine 462 with histidine.
Molecular consequence: missense variant. On other transcripts: non-coding transcript variant (1).
Genome position (GRCh38, 1-based): chr11:65,206,494, G>A. VCF-style: chr11-65206494-G-A. GRCh37 (hg19) VCF-style: chr11-64973965-G-A.
Other names: c.1385G>A, p.Arg462His (NM_001198868.2, NM_001198869.2); c.1223G>A, p.Arg408His (NM_001198870.1); short protein forms R408H, R462H.
Identifiers: ClinVar variation 2187886 (VCV002187886.1), dbSNP rs201349372, ClinGen allele CA6093420.